The following is an entry in ClinVar:

ClinVar aggregate classification (germline): Likely pathogenic (1 of 4 stars; one submission).

Conditions:
Hereditary cancer-predisposing syndrome. Also called: Neoplastic Syndromes, Hereditary; Tumor predisposition; Hereditary Cancer Syndrome; Hereditary neoplastic syndrome. Identifiers: Orphanet 140162, MedGen C0027672, MeSH D009386, MONDO:0015356.

Submission:

Ambry Genetics
Classification: Likely pathogenic for Hereditary cancer-predisposing syndrome. Last evaluated: 2022-09-26. Review status: criteria provided, single submitter. Criteria: Ambry Variant Classification Scheme 2023. Collection method: clinical testing. Allele origin: germline.
Comment: The c.3448_3450delinsTT variant, located in coding exon 13 of the PALB2 gene, results from the deletion of 3 nucleotides and insertion of two nucleotides causing a translational frameshift with a predicted alternate stop codon (p.L1150Ffs*13). This alteration occurs at the 3' terminus of thePALB2 gene, is not expected to trigger nonsense-mediated mRNA decay, and only impacts the last 37 amino acids of the protein. However, premature stop codons are typically deleterious in nature, and these 3' amino acids are part of the functionally critical WD40 domain that is necessary for PALB2 function, stability, and interaction with BRCA2 (Oliver AW et al. EMBO Rep., 2009 Sep;10:990-6). This variant is considered to be rare based on population cohorts in the Genome Aggregation Database (gnomAD). Based on the majority of available evidence to date, this variant is likely to be pathogenic.

NM_024675.4(PALB2):c.3448_3450delinsTT (p.Leu1150fs)

Gene: PALB2 (partner and localizer of BRCA2; minus strand). Cytogenetic location: 16p12.2.
Variant type: Indel.
Coding change: c.3448_3450delinsTT on transcript NM_024675.4 (MANE Select); coding-DNA positions 3448 to 3450, CTC replaced by TT.
Protein change: p.Leu1150fs; shifts the reading frame from leucine 1150.
Molecular consequence: frameshift variant.
Genome position (GRCh38, 1-based): chr16:23,603,570-23,603,572, GAG replaced by AA on the plus strand (CTC replaced by TT on the coding strand, the reverse complement: PALB2 is on the minus strand). VCF-style: chr16-23603570-GAG-AA. GRCh37 (hg19) VCF-style: chr16-23614891-GAG-AA.
Other names: c.3388_3390delCTCinsTT, p.Leu1130Phefs (NM_001407296.1); c.3376_3378delCTCinsTT, p.Leu1126Phefs (NM_001407297.1); c.3286_3288delCTCinsTT, p.Leu1096Phefs (NM_001407298.1); c.3211_3213delCTCinsTT, p.Leu1071Phefs (NM_001407299.1); c.3169_3171delCTCinsTT, p.Leu1057Phefs (NM_001407300.1); c.*83_*85delCTCinsTT (NM_001407301.1, NM_001407302.1, NM_001407310.1 and 2 more transcripts); c.2563_2565delCTCinsTT, p.Leu855Phefs (NM_001407304.1, NM_001407305.1, NM_001407306.1); c.2401_2403delCTCinsTT, p.Leu801Phefs (NM_001407307.1); and 4 more; short protein forms L1150fs.
Identifiers: ClinVar variation 1731521 (VCV001731521.2), dbSNP rs2506196596, ClinGen allele CA2580091249.